The following is an entry in ClinVar:

ClinVar aggregate classification (germline): Likely benign. Review status: criteria provided, multiple submitters, no conflicts (2 of 4 stars). 2 submissions from 2 submitters: Likely benign (2). Last evaluated 2023-04-01.

Allele frequency attached by ClinVar (database versions not stated): ExAC 0.00003; TOPMed 0.00004; gnomAD 0.00005; gnomAD exomes 0.00007; 1000 Genomes Project 30x 0.00016; 1000 Genomes Project 0.00020.

Submissions (2):

CeGaT Center for Human Genetics Tuebingen
Classification: Likely benign. Last evaluated: 2023-04-01. Review status: criteria provided, single submitter. Criteria: CeGaT Center For Human Genetics Tuebingen Variant Classification Criteria Version 2. Collection method: clinical testing. Allele origin: germline. Affected: yes. Observed: 1 variant allele.
Comment: LRP1: BP4, BP7

Breakthrough Genomics
Classification: Likely benign. Review status: criteria provided, single submitter. Criteria: ACMG Guidelines, 2015. Collection method: not provided. Allele origin: germline. Inheritance: Autosomal recessive inheritance. Affected: yes.

NM_002332.3(LRP1):c.8667C>T (p.Asp2889=)

Gene: LRP1 (LDL receptor related protein 1; plus strand). Cytogenetic location: 12q13.3.
Variant type: single nucleotide variant.
Coding change: c.8667C>T on transcript NM_002332.3 (MANE Select); coding-DNA position 8667, C replaced by T.
Protein change: p.Asp2889=; no amino-acid change (aspartic acid 2889 retained).
Molecular consequence: synonymous variant.
Genome position (GRCh38, 1-based): chr12:57,195,969, C>T. VCF-style: chr12-57195969-C-T. GRCh37 (hg19) VCF-style: chr12-57589752-C-T.
Identifiers: ClinVar variation 2643121 (VCV002643121.25), dbSNP rs1800155, ClinGen allele CA6644453.